The following is an entry in ClinVar:

ClinVar aggregate classification (germline): Pathogenic/Likely pathogenic. Review status: criteria provided, multiple submitters, no conflicts (2 of 4 stars). 5 submissions from 5 submitters: Pathogenic (4); Likely pathogenic (1). Last evaluated 2025-02-26.

Conditions:
Juvenile polyposis syndrome (JPS). Identifiers: Orphanet 2929, MedGen C0345893, MONDO:0017380, OMIM 174900.
Hereditary cancer-predisposing syndrome. Also called: Hereditary neoplastic syndrome; Tumor predisposition; Neoplastic Syndromes, Hereditary; Hereditary Cancer Syndrome. Identifiers: Orphanet 140162, MedGen C0027672, MeSH D009386, MONDO:0015356.

Submissions (5):

Ambry Genetics
Classification: Pathogenic for Hereditary cancer-predisposing syndrome. Last evaluated: 2025-02-26. Review status: criteria provided, single submitter. Criteria: Ambry Variant Classification Scheme 2023. Collection method: clinical testing. Allele origin: germline.
Comment: The p.R152* pathogenic mutation (also known as c.454C>T), located in coding exon 5 of the BMPR1A gene, results from a C to T substitution at nucleotide position 454. This changes the amino acid from an arginine to a stop codon within coding exon 5. This variant is considered to be rare based on population cohorts in the Genome Aggregation Database (gnomAD). This alteration is expected to result in loss of function by premature protein truncation or nonsense-mediated mRNA decay. As such, this alteration is interpreted as a disease-causing mutation.

Myriad Genetics, Inc.
Classification: Pathogenic for Juvenile polyposis syndrome. Last evaluated: 2023-05-26. Review status: criteria provided, single submitter. Criteria: Myriad Autosomal Dominant, Autosomal Recessive and X-Linked Classification Criteria (2023). Collection method: clinical testing. Allele origin: unknown.
Comment: This variant is considered pathogenic. This variant creates a termination codon and is predicted to result in premature protein truncation.

Color Diagnostics, LLC DBA Color Health
Classification: Pathogenic for Hereditary cancer-predisposing syndrome. Last evaluated: 2022-10-06. Review status: criteria provided, single submitter. Criteria: ACMG Guidelines, 2015. Collection method: clinical testing. Allele origin: germline.
Comment: This variant changes 1 nucleotide in exon 7 of the BMPR1A gene, creating a premature translation stop signal. This variant is expected to result in an absent or non-functional protein product. To our knowledge, this variant has not been reported in individuals affected with hereditary cancer in the literature. This variant has not been identified in the general population by the Genome Aggregation Database (gnomAD). Loss of BMPR1A function is a known mechanism of disease. Based on the available evidence, this variant is classified as Pathogenic.

Labcorp Genetics (formerly Invitae), Labcorp
Classification: Pathogenic for Juvenile polyposis syndrome. Last evaluated: 2022-06-19. Review status: criteria provided, single submitter. Criteria: Invitae Variant Classification Sherloc (09022015). Collection method: clinical testing. Allele origin: germline.
Comment: For these reasons, this variant has been classified as Pathogenic. ClinVar contains an entry for this variant (Variation ID: 429099). This variant has not been reported in the literature in individuals affected with BMPR1A-related conditions. This variant is not present in population databases (gnomAD no frequency). This sequence change creates a premature translational stop signal (p.Arg152*) in the BMPR1A gene. It is expected to result in an absent or disrupted protein product. Loss-of-function variants in BMPR1A are known to be pathogenic (PMID: 11536076, 12417513).

Clinical Genetics Laboratory, Skane University Hospital Lund
Classification: Likely pathogenic. Last evaluated: 2022-05-27. Review status: criteria provided, single submitter. Criteria: ACMG Guidelines, 2015. Collection method: clinical testing. Allele origin: germline. Affected: yes.

Literature cited by the submitters: PubMed 11536076 (cited by Labcorp Genetics (formerly Invitae), Labcorp); PubMed 12417513 (cited by Labcorp Genetics (formerly Invitae), Labcorp).

NM_004329.3(BMPR1A):c.454C>T (p.Arg152Ter)

Gene: BMPR1A (bone morphogenetic protein receptor type 1A; plus strand). Cytogenetic location: 10q23.2.
Variant type: single nucleotide variant.
Coding change: c.454C>T on transcript NM_004329.3 (MANE Select); coding-DNA position 454, C replaced by T.
Protein change: p.Arg152Ter; replaces arginine 152 with a stop codon.
Molecular consequence: nonsense.
Genome position (GRCh38, 1-based): chr10:86,900,050, C>T. VCF-style: chr10-86900050-C-T. GRCh37 (hg19) VCF-style: chr10-88659807-C-T.
Other names: short protein forms R152*.
Identifiers: ClinVar variation 429099 (VCV000429099.17), dbSNP rs1131691178, ClinGen allele CA377450232.
Genomic context (GRCh38, chr10:86,900,050, plus strand): 5'-CATTTCAATTGTTTACATTGTTTACTTTTATTGTCAGGTCCGTTTTTTGATGGCAGCATT[C>T]GATGGCTGGTTTTGCTCATTTCTATGGCTGTCTGCATAATTGCTATGATCATCTTCTCCA-3'